The following is an entry in ClinVar:

ClinVar aggregate classification (germline): Uncertain significance (1 of 4 stars; one submission).

Conditions:
Hereditary cancer-predisposing syndrome. Also called: Tumor predisposition; Hereditary neoplastic syndrome; Neoplastic Syndromes, Hereditary; Hereditary Cancer Syndrome. Identifiers: Orphanet 140162, MedGen C0027672, MeSH D009386, MONDO:0015356.

gnomAD v4.1: 5 of 1,613,990 alleles (0.00031%); highest among the groups gnomAD compares: Non-Finnish European, 0.00042%; no homozygotes.

Submission:

Ambry Genetics
Classification: Uncertain significance for Hereditary cancer-predisposing syndrome. Last evaluated: 2025-11-10. Review status: criteria provided, single submitter. Criteria: Ambry Variant Classification Scheme 2023. Collection method: clinical testing. Allele origin: germline.
Comment: The p.R688P variant (also known as c.2063G>C), located in coding exon 12 of the DICER1 gene, results from a G to C substitution at nucleotide position 2063. The arginine at codon 688 is replaced by proline, an amino acid with dissimilar properties. This amino acid position is conserved. In addition, this alteration is predicted to be deleterious by in silico analysis. Based on the available evidence, the clinical significance of this variant remains unclear.

NM_177438.3(DICER1):c.2063G>C (p.Arg688Pro)

Gene: DICER1 (dicer 1, ribonuclease III; minus strand). Cytogenetic location: 14q32.13.
Variant type: single nucleotide variant.
Coding change: c.2063G>C on transcript NM_177438.3 (MANE Select); coding-DNA position 2063, G replaced by C.
Protein change: p.Arg688Pro; replaces arginine 688 with proline.
Molecular consequence: missense variant. On other transcripts: non-coding transcript variant (6).
Genome position (GRCh38, 1-based): chr14:95,112,225, C>G on the plus strand (G>C on the coding strand, the complement: DICER1 is on the minus strand). VCF-style: chr14-95112225-C-G. GRCh37 (hg19) VCF-style: chr14-95578562-C-G.
Other names: c.1781G>C, p.Arg594Pro (NM_001395686.1); c.1658G>C, p.Arg553Pro (NM_001395687.1, NM_001395688.1, NM_001395689.1 and 3 more transcripts); c.1496G>C, p.Arg499Pro (NM_001395691.1); c.2063G>C, p.Arg688Pro (NM_001395692.1, NM_001395693.1, NM_001395694.1 and 12 more transcripts); c.380G>C, p.Arg127Pro (NM_001395697.1); short protein forms R499P, R553P, R688P, R594P, R127P.
Identifiers: ClinVar variation 4011698 (VCV004011698.2).
Genomic context (GRCh38, chr14:95,112,225, plus strand): 5'-TCCTTACCAATTTTGTGCAGTTTCTCACAGCAAATGAGAGCTACAACTCTTTCAGCCAAT[C>G]GTACACAGCTCATTGGTGGACCCTGAAAATAACAAAAACCTTTCCATTATATATGCACAT-3'
Protein context (NP_803187.1, residues 678-698): SIVGPPMSCV[Arg688Pro]LAERVVALIC